The following is an entry in ClinVar:

ClinVar aggregate classification (germline): Uncertain significance (1 of 4 stars; one submission).

Conditions:
Hypertrophic cardiomyopathy. Also called: HYPERTROPHIC MYOCARDIOPATHY. Identifiers: Orphanet 217569, MedGen C0007194, MeSH D002312, MONDO:0005045, HP:0001639.

Submission:

Labcorp Genetics (formerly Invitae), Labcorp
Classification: Uncertain significance for Hypertrophic cardiomyopathy. Last evaluated: 2025-02-05. Review status: criteria provided, single submitter. Criteria: Invitae Variant Classification Sherloc (09022015). Collection method: clinical testing. Allele origin: germline.
Comment: This variant, c.1296_1298del, results in the deletion of 1 amino acid(s) of the MYBPC3 protein (p.Ala433del), but otherwise preserves the integrity of the reading frame. This variant is not present in population databases (gnomAD no frequency). This variant has been observed in individual(s) with hypertrophic cardiomyopathy (PMID: 37002766). Experimental studies and prediction algorithms are not available or were not evaluated, and the functional significance of this variant is currently unknown. This variant disrupts a region of the MYBPC3 protein in which other variant(s) (p.Ala433Gly) have been observed in individuals with MYBPC3-related conditions (PMID: 30871747). This suggests that this is a clinically significant region of the protein, and that variants that disrupt it are likely to be disease-causing. In summary, the available evidence is currently insufficient to determine the role of this variant in disease. Therefore, it has been classified as a Variant of Uncertain Significance.

Literature cited by the submitters: PubMed 37002766; PubMed 30871747.

NM_000256.3(MYBPC3):c.1296_1298del (p.Ala433del)

Gene: MYBPC3 (myosin binding protein C3; minus strand). Cytogenetic location: 11p11.2.
Variant type: Deletion.
Coding change: c.1296_1298del on transcript NM_000256.3 (MANE Select); coding-DNA positions 1296 to 1298, 3 bases deleted (AGC; older notation c.1296_1298delAGC).
Protein change: p.Ala433del; deletes alanine 433.
Molecular consequence: inframe deletion.
Genome position (GRCh38, 1-based): chr11:47,343,074-47,343,076, GCT deleted on the plus strand (AGC on the coding strand, the reverse complement: MYBPC3 is on the minus strand); deleting any 3 consecutive bases within chr11:47,343,074-47,343,078 gives the same sequence; the c. name uses the placement nearest the transcript's 3' end. VCF-style (leftmost placement, unchanged base first): chr11-47343073-GGCT-G. GRCh37 (hg19) VCF-style: chr11-47364624-GGCT-G.
Other names: short protein forms A433del.
Identifiers: ClinVar variation 3624599 (VCV003624599.2).